The following is an entry in ClinVar:

ClinVar aggregate classification (germline): Pathogenic/Likely pathogenic. Review status: criteria provided, multiple submitters, no conflicts (2 of 4 stars). 2 submissions from 2 submitters: Pathogenic (1); Likely pathogenic (1). Last evaluated 2021-12-21.

Conditions:
Glycine encephalopathy. Also called: Non-ketotic hyperglycinemia; Nonketotic hyperglycinemia. Identifiers: Orphanet 407, MedGen C0751748, MONDO:0011612, HP:0008288.

Submissions (2):

Myriad Genetics, Inc.
Classification: Likely pathogenic for Glycine encephalopathy 1. Last evaluated: 2021-12-21. Review status: criteria provided, single submitter. Criteria: Myriad Women's Health Autosomal Recessive and X-Linked Classification Criteria (2021). Collection method: clinical testing. Allele origin: unknown.
Comment: NM_000170.2(GLDC):c.425C>A(S142*) is expected to be pathogenic in the context of glycine encephalopathy, GLDC-related. This variant is predicted to lead to an abnormal or absent protein product due to the creation of a premature termination codon in GLDC, a gene where loss-of-function variants are known to be pathogenic. Please note: this variant was assessed in the context of healthy population screening.

Labcorp Genetics (formerly Invitae), Labcorp
Classification: Pathogenic for Glycine encephalopathy. Last evaluated: 2021-10-10. Review status: criteria provided, single submitter. Criteria: Invitae Variant Classification Sherloc (09022015). Collection method: clinical testing. Allele origin: germline.
Comment: For these reasons, this variant has been classified as Pathogenic. This variant has not been reported in the literature in individuals affected with GLDC-related conditions. This variant is not present in population databases (ExAC no frequency). This sequence change creates a premature translational stop signal (p.Ser142*) in the GLDC gene. It is expected to result in an absent or disrupted protein product. Loss-of-function variants in GLDC are known to be pathogenic (PMID: 16601880).

Literature cited by the submitters: PubMed 16601880 (cited by Labcorp Genetics (formerly Invitae), Labcorp).

NM_000170.3(GLDC):c.425C>A (p.Ser142Ter)

Gene: GLDC (glycine decarboxylase; minus strand). Cytogenetic location: 9p24.1.
Variant type: single nucleotide variant.
Coding change: c.425C>A on transcript NM_000170.3 (MANE Select); coding-DNA position 425, C replaced by A.
Protein change: p.Ser142Ter; replaces serine 142 with a stop codon.
Molecular consequence: nonsense.
Genome position (GRCh38, 1-based): chr9:6,620,229, G>T on the plus strand (C>A on the coding strand, the complement: GLDC is on the minus strand). VCF-style: chr9-6620229-G-T. GRCh37 (hg19) VCF-style: chr9-6620229-G-T.
Other names: short protein forms S142*.
Identifiers: ClinVar variation 1454668 (VCV001454668.8), dbSNP rs2129948971, ClinGen allele CA372879346.